The following is an entry in ClinVar:

ClinVar aggregate classification (germline): Conflicting classifications of pathogenicity. Review status: criteria provided, conflicting classifications (1 of 4 stars). 4 submissions from 4 submitters: Uncertain significance (1); Likely benign (2). 1 of the submissions does not count toward it. Last evaluated 2026-05-13.

Conditions:
CEACAM16-related disorder. Also called: CEACAM16-related condition.

Allele frequency attached by ClinVar (database versions not stated): ESP Exome Variant Server 0.00024; gnomAD exomes 0.00024 and 0.00027; gnomAD 0.00027 and 0.00028; TOPMed 0.00028; ExAC 0.00031.
gnomAD v4.1: 386 of 1,613,530 alleles (0.024%); highest among the groups gnomAD compares: Admixed American, 0.032%; 1 homozygote.

Submissions (4):

Women's Health and Genetics/Laboratory Corporation of America, LabCorp
Classification: Uncertain significance. Last evaluated: 2026-05-13. Review status: criteria provided, single submitter. Criteria: LabCorp Variant Classification Summary - May 2015. Collection method: clinical testing. Allele origin: germline.
Comment: Variant summary: CEACAM16 c.*5G>A is located in the untranslated mRNA region downstream of the termination codon. The variant allele was found at a frequency of 0.00027 in 248918 control chromosomes in the gnomAD database, including 1 homozygote. This frequency is not significantly higher than estimated for disease-causing variants in CEACAM16, allowing no conclusion about variant significance. To our knowledge, no occurrence of c.*5G>A in individuals affected with CEACAM16-related conditions and no experimental evidence demonstrating its impact on protein function have been reported. ClinVar contains an entry for this variant (Variation ID: 1217843). Based on the evidence outlined above, the variant was classified as uncertain significance.

Blueprint Genetics
Classification: Likely benign. Last evaluated: 2024-10-24. Review status: criteria provided, single submitter. Criteria: ACMG Guidelines, 2015. Collection method: clinical testing. Allele origin: germline.

GeneDx
Classification: Likely benign. Last evaluated: 2021-05-25. Review status: criteria provided, single submitter. Criteria: GeneDx Variant Classification Process June 2021. Collection method: clinical testing. Allele origin: germline. Affected: yes.

PreventionGenetics, part of Exact Sciences
Classification: Likely benign for CEACAM16-related condition. Last evaluated: 2019-12-05. Review status: no assertion criteria provided. Collection method: clinical testing. Allele origin: germline. Not counted in ClinVar's aggregate classification.
Comment: This variant is classified as likely benign based on ACMG/AMP sequence variant interpretation guidelines (Richards et al. 2015 PMID: 25741868, with internal and published modifications).

NM_001039213.4(CEACAM16):c.*5G>A

Genes: CEACAM16 (CEA cell adhesion molecule 16, tectorial membrane component; plus strand), CEACAM16-AS1 (CEACAM16, CEACAM19 and PVR antisense RNA 1; minus strand). Cytogenetic location: 19q13.32.
Variant type: single nucleotide variant.
Coding change: c.*5G>A on transcript NM_001039213.4 (MANE Select); 5 bases downstream of the stop codon, G replaced by A.
Molecular consequence: 3 prime UTR variant.
Genome position (GRCh38, 1-based): chr19:44,710,511, G>A. VCF-style: chr19-44710511-G-A. GRCh37 (hg19) VCF-style: chr19-45213783-G-A.
Other names: c.*5G>A (NM_001039213.3).
Identifiers: ClinVar variation 1217843 (VCV001217843.7), dbSNP rs375895764, ClinGen allele CA9503291.